The following is an entry in ClinVar:

NM_001943.5(DSG2):c.659T>C (p.Ile220Thr)

Gene: DSG2 (desmoglein 2; plus strand). Cytogenetic location: 18q12.1.
Variant type: single nucleotide variant.
Coding change: c.659T>C on transcript NM_001943.5 (MANE Select); coding-DNA position 659, T replaced by C.
Protein change: p.Ile220Thr; replaces isoleucine 220 with threonine.
Molecular consequence: missense variant.
Genome position (GRCh38, 1-based): chr18:31,522,218, T>C. VCF-style: chr18-31522218-T-C. GRCh37 (hg19) VCF-style: chr18-29102181-T-C.
Other names: short protein forms I220T.
Identifiers: ClinVar variation 3630939 (VCV003630939.2).
Genomic context (GRCh38, chr18:31,522,218, plus strand): 5'-TCGTATCTCTGGAGCCTGCTTATCCTCCAGTGTTCTACCTAAATAAAGATACAGGAGAGA[T>C]TTATACAACCAGTGTTACCTTGGACAGAGAGGTAAGTTAATATGTTATGTTGCCCATCTT-3'
Protein context (NP_001934.2, residues 210-230): VFYLNKDTGE[Ile220Thr]YTTSVTLDRE

ClinVar aggregate classification (germline): Uncertain significance (1 of 4 stars; one submission).

Conditions:
Arrhythmogenic right ventricular dysplasia 10. Also called: Arrhythmogenic Right Ventricular Dysplasia/Cardiomyopathy10; ARRHYTHMOGENIC RIGHT VENTRICULAR DYSPLASIA, FAMILIAL, 10; Arrhythmogenic right ventricular dysplasia/cardiomyopathy, type 10. Identifiers: MedGen C1857777, MONDO:0012434, OMIM 610193.

gnomAD v4.1: 3 of 1,613,768 alleles (0.00019%); highest among the groups gnomAD compares: Non-Finnish European, 0.00025%; no homozygotes.

Submission:

Labcorp Genetics (formerly Invitae), Labcorp
Classification: Uncertain significance for Arrhythmogenic right ventricular dysplasia 10. Last evaluated: 2024-12-30. Review status: criteria provided, single submitter. Criteria: Invitae Variant Classification Sherloc (09022015). Collection method: clinical testing. Allele origin: germline.
Comment: This sequence change replaces isoleucine, which is neutral and non-polar, with threonine, which is neutral and polar, at codon 220 of the DSG2 protein (p.Ile220Thr). This variant is not present in population databases (gnomAD no frequency). This variant has not been reported in the literature in individuals affected with DSG2-related conditions. Invitae Evidence Modeling of protein sequence and biophysical properties (such as structural, functional, and spatial information, amino acid conservation, physicochemical variation, residue mobility, and thermodynamic stability) has been performed for this missense variant. However, the output from this modeling did not meet the statistical confidence thresholds required to predict the impact of this variant on DSG2 protein function. In summary, the available evidence is currently insufficient to determine the role of this variant in disease. Therefore, it has been classified as a Variant of Uncertain Significance.